The following is an entry in ClinVar:

NM_152281.3(GORAB):c.631G>C (p.Asp211His)

Gene: GORAB (golgin, RAB6 interacting; plus strand). Cytogenetic location: 1q24.2.
Variant type: single nucleotide variant.
Coding change: c.631G>C on transcript NM_152281.3 (MANE Select); coding-DNA position 631, G replaced by C.
Protein change: p.Asp211His; replaces aspartic acid 211 with histidine.
Molecular consequence: missense variant. On other transcripts: non-coding transcript variant (1).
Genome position (GRCh38, 1-based): chr1:170,544,814, G>C. VCF-style: chr1-170544814-G-C. GRCh37 (hg19) VCF-style: chr1-170513955-G-C.
Other names: c.631G>C, p.Asp211His (NM_001146039.2); c.166G>C, p.Asp56His (NM_001320252.2); short protein forms D211H, D56H.
Identifiers: ClinVar variation 1347080 (VCV001347080.5), dbSNP rs1431015813, ClinGen allele CA343164242.

ClinVar aggregate classification (germline): Uncertain significance (1 of 4 stars; one submission).

Allele frequency attached by ClinVar (database versions not stated): TOPMed below 0.00001.
gnomAD v4.1: 7 of 1,614,066 alleles (0.00043%); highest among the groups gnomAD compares: Non-Finnish European, 0.00059%; no homozygotes.

Submission:

Labcorp Genetics (formerly Invitae), Labcorp
Classification: Uncertain significance. Last evaluated: 2022-06-22. Review status: criteria provided, single submitter. Criteria: Invitae Variant Classification Sherloc (09022015). Collection method: clinical testing. Allele origin: germline.
Comment: This sequence change replaces aspartic acid, which is acidic and polar, with histidine, which is basic and polar, at codon 236 of the GORAB protein (p.Asp236His). This variant is not present in population databases (gnomAD no frequency). This variant has not been reported in the literature in individuals affected with GORAB-related conditions. Algorithms developed to predict the effect of missense changes on protein structure and function are either unavailable or do not agree on the potential impact of this missense change (SIFT: "Deleterious"; PolyPhen-2: "Probably Damaging"; Align-GVGD: "Class C0"). In summary, the available evidence is currently insufficient to determine the role of this variant in disease. Therefore, it has been classified as a Variant of Uncertain Significance.